The following is an entry in ClinVar:

ClinVar aggregate classification (germline): Uncertain significance. Review status: criteria provided, multiple submitters, no conflicts (2 of 4 stars). 4 submissions from 4 submitters: Uncertain significance (3). 1 of the submissions does not count toward it. Last evaluated 2026-01-26.

Conditions:
Hereditary leiomyomatosis and renal cell cancer. Also called: FH tumor predisposition syndrome; LEIOMYOMA, MULTIPLE CUTANEOUS; Multiple cutaneous leiomyomas; MULTIPLE CUTANEOUS AND UTERINE LEIOMYOMATA 1, WITH OR WITHOUT RENAL CELL CARCINOMA; Familial leiomyomatosis; Reed syndrome. Identifiers: Orphanet 523, MedGen C1708350, MONDO:0007888, OMIM 150800, HP:0007437. Disease mechanism: loss of function.
Fumarase deficiency (FMRD). Also called: Fumaric aciduria; Fumarate Hydratase Deficiency. Identifiers: Orphanet 24, MedGen C0342770, MONDO:0011730, OMIM 606812.
Hereditary cancer-predisposing syndrome. Also called: Neoplastic Syndromes, Hereditary; Hereditary Cancer Syndrome; Hereditary neoplastic syndrome; Tumor predisposition. Identifiers: Orphanet 140162, MedGen C0027672, MeSH D009386, MONDO:0015356.

Submissions (4):

Labcorp Genetics (formerly Invitae), Labcorp
Classification: Uncertain significance. Last evaluated: 2026-01-26. Review status: criteria provided, single submitter. Criteria: Invitae Variant Classification Sherloc (09022015). Collection method: clinical testing. Allele origin: germline.
Comment: This sequence change replaces alanine, which is neutral and non-polar, with serine, which is neutral and polar, at codon 320 of the FH protein (p.Ala320Ser). This variant is not present in population databases (gnomAD no frequency). This variant has not been reported in the literature in individuals affected with FH-related conditions. ClinVar contains an entry for this variant (Variation ID: 971158). Invitae Evidence Modeling of protein sequence and biophysical properties (such as structural, functional, and spatial information, amino acid conservation, physicochemical variation, residue mobility, and thermodynamic stability) has been performed for this missense variant. However, the output from this modeling did not meet the statistical confidence thresholds required to predict the impact of this variant on FH protein function. In summary, the available evidence is currently insufficient to determine the role of this variant in disease. Therefore, it has been classified as a Variant of Uncertain Significance.

Ambry Genetics
Classification: Uncertain significance for Hereditary cancer-predisposing syndrome. Last evaluated: 2025-08-02. Review status: criteria provided, single submitter. Criteria: Ambry Variant Classification Scheme 2023. Collection method: clinical testing. Allele origin: germline.
Comment: The p.A320S variant (also known as c.958G>T), located in coding exon 7 of the FH gene, results from a G to T substitution at nucleotide position 958. The alanine at codon 320 is replaced by serine, an amino acid with similar properties. This amino acid position is highly conserved in available vertebrate species. In addition, this alteration is predicted to be deleterious by in silico analysis. Since supporting evidence is limited at this time, the clinical significance of this alteration remains unclear.

Fulgent Genetics
Classification: Uncertain significance for Hereditary leiomyomatosis and renal cell cancer; Fumarase deficiency. Last evaluated: 2024-05-20. Review status: criteria provided, single submitter. Criteria: ACMG Guidelines, 2015. Collection method: clinical testing. Allele origin: germline.

Natera, Inc.
Classification: Uncertain significance for Fumarase Deficiency. Last evaluated: 2021-07-24. Review status: no assertion criteria provided. Collection method: clinical testing. Allele origin: germline. Not counted in ClinVar's aggregate classification.

NM_000143.4(FH):c.958G>T (p.Ala320Ser)

Gene: FH (fumarate hydratase; minus strand). Cytogenetic location: 1q43.
Variant type: single nucleotide variant.
Coding change: c.958G>T on transcript NM_000143.4 (MANE Select); coding-DNA position 958, G replaced by T.
Protein change: p.Ala320Ser; replaces alanine 320 with serine.
Molecular consequence: missense variant.
Genome position (GRCh38, 1-based): chr1:241,504,192, C>A on the plus strand (G>T on the coding strand, the complement: FH is on the minus strand). VCF-style: chr1-241504192-C-A. GRCh37 (hg19) VCF-style: chr1-241667492-C-A.
Other names: short protein forms A320S.
Identifiers: ClinVar variation 971158 (VCV000971158.13), dbSNP rs766441385, ClinGen allele CA40327915.